The following is an entry in ClinVar:

ClinVar aggregate classification (germline): Uncertain significance. Review status: criteria provided, multiple submitters, no conflicts (2 of 4 stars). 3 submissions from 3 submitters: Uncertain significance (3). Last evaluated 2024-02-12.

Conditions:
Inborn genetic diseases. Identifiers: MedGen C0950123, MeSH D030342.
Developmental delay, hypotonia, musculoskeletal defects, and behavioral abnormalities. Identifiers: MedGen C5562012, MONDO:0859202, OMIM 619595.
Floating-Harbor syndrome (FLHS). Also called: SRCAP-Related Floating-Harbor Syndrome; Short stature with delayed bone age, expressive language delay, a triangular face with a prominent nose and deep-set eyes; Pelletier-Leisti syndrome. Identifiers: Orphanet 2044, MedGen C0729582, MONDO:0007621, OMIM 136140.

Allele frequency attached by ClinVar (database versions not stated): ExAC 0.00001; gnomAD exomes 0.00001; gnomAD 0.00003; TOPMed 0.00003; ESP Exome Variant Server 0.00008.
gnomAD v4.1: 24 of 1,612,708 alleles (0.0015%); highest among the groups gnomAD compares: African/African-American, 0.0027%; no homozygotes.

Submissions (3):

Ambry Genetics
Classification: Uncertain significance for Inborn genetic diseases. Last evaluated: 2024-02-12. Review status: criteria provided, single submitter. Criteria: Ambry Variant Classification Scheme 2023. Collection method: clinical testing. Allele origin: germline.

Fulgent Genetics
Classification: Uncertain significance for Floating-Harbor syndrome; Developmental delay, hypotonia, musculoskeletal defects, and behavioral abnormalities. Last evaluated: 2023-12-26. Review status: criteria provided, single submitter. Criteria: ACMG Guidelines, 2015. Collection method: clinical testing. Allele origin: germline.

Labcorp Genetics (formerly Invitae), Labcorp
Classification: Uncertain significance. Last evaluated: 2023-11-10. Review status: criteria provided, single submitter. Criteria: Invitae Variant Classification Sherloc (09022015). Collection method: clinical testing. Allele origin: germline.
Comment: This sequence change replaces leucine, which is neutral and non-polar, with serine, which is neutral and polar, at codon 2101 of the SRCAP protein (p.Leu2101Ser). This variant is present in population databases (rs368885190, gnomAD 0.0009%). This variant has not been reported in the literature in individuals affected with SRCAP-related conditions. Advanced modeling of protein sequence and biophysical properties (such as structural, functional, and spatial information, amino acid conservation, physicochemical variation, residue mobility, and thermodynamic stability) performed at Invitae indicates that this missense variant is not expected to disrupt SRCAP protein function with a negative predictive value of 80%. In summary, the available evidence is currently insufficient to determine the role of this variant in disease. Therefore, it has been classified as a Variant of Uncertain Significance.

NM_006662.3(SRCAP):c.6302T>C (p.Leu2101Ser)

Gene: SRCAP (Snf2 related CREBBP activator protein; plus strand). Cytogenetic location: 16p11.2.
Variant type: single nucleotide variant.
Coding change: c.6302T>C on transcript NM_006662.3 (MANE Select); coding-DNA position 6302, T replaced by C.
Protein change: p.Leu2101Ser; replaces leucine 2101 with serine.
Molecular consequence: missense variant.
Genome position (GRCh38, 1-based): chr16:30,733,606, T>C. VCF-style: chr16-30733606-T-C. GRCh37 (hg19) VCF-style: chr16-30744927-T-C.
Other names: c.6302T>C (NM_006662.2); short protein forms L2101S.
Identifiers: ClinVar variation 3001448 (VCV003001448.5), dbSNP rs368885190, ClinGen allele CA8012212.